The following is an entry in ClinVar:

NM_152418.4(DCAF4L2):c.66A>G (p.Gly22=)

Gene: DCAF4L2 (DDB1 and CUL4 associated factor 4 like 2; minus strand). Cytogenetic location: 8q21.3.
Variant type: single nucleotide variant.
Coding change: c.66A>G on transcript NM_152418.4 (MANE Select); coding-DNA position 66, A replaced by G.
Protein change: p.Gly22=; no amino-acid change (glycine 22 retained).
Molecular consequence: synonymous variant.
Genome position (GRCh38, 1-based): chr8:87,873,906, T>C on the plus strand (A>G on the coding strand, the complement: DCAF4L2 is on the minus strand). VCF-style: chr8-87873906-T-C. GRCh37 (hg19) VCF-style: chr8-88886134-T-C.
Identifiers: ClinVar variation 3047183 (VCV003047183.2), dbSNP rs376969727, ClinGen allele CA4801313.

ClinVar aggregate classification (germline): Likely benign (0 of 4 stars; one submission).

Conditions:
DCAF4L2-related disorder. Also called: DCAF4L2-related condition.

Allele frequency attached by ClinVar (database versions not stated): gnomAD exomes 0.00008; ESP Exome Variant Server 0.00015; TOPMed 0.00015; gnomAD 0.00017; ExAC 0.00019.

Submission:

PreventionGenetics, part of Exact Sciences
Classification: Likely benign for DCAF4L2-related condition. Last evaluated: 2019-03-07. Review status: no assertion criteria provided. Collection method: clinical testing. Allele origin: germline.
Comment: This variant is classified as likely benign based on ACMG/AMP sequence variant interpretation guidelines (Richards et al. 2015 PMID: 25741868, with internal and published modifications).